The following is an entry in ClinVar:

ClinVar aggregate classification (germline): Uncertain significance. Review status: criteria provided, multiple submitters, no conflicts (2 of 4 stars). 6 submissions from 6 submitters: Uncertain significance (6). Last evaluated 2022-09-17.

Conditions:
Hereditary cancer-predisposing syndrome. Also called: Tumor predisposition; Hereditary Cancer Syndrome; Hereditary neoplastic syndrome; Neoplastic Syndromes, Hereditary. Identifiers: Orphanet 140162, MedGen C0027672, MeSH D009386, MONDO:0015356.
Hereditary breast ovarian cancer syndrome. Also called: Breast and ovarian cancer; Hereditary breast and ovarian cancer syndrome; Hereditary breast and ovarian cancer; BRCA1- and BRCA2-Associated Hereditary Breast and Ovarian Cancer; Hereditary breast and ovarian cancer syndrome (HBOC); Hereditary breast and/or ovarian cancer syndrome. Identifiers: Orphanet 145, MedGen C0677776, MeSH D061325, MONDO:0003582. Disease mechanism: loss of function.
Breast-ovarian cancer, familial, susceptibility to, 2 (BROVCA2). Also called: BRCA2 Hereditary Breast and Ovarian Cancer. Identifiers: Orphanet 145, MedGen C2675520, MONDO:0012933, OMIM 612555. Disease mechanism: loss of function.

Allele frequency attached by ClinVar (database versions not stated): gnomAD exomes below 0.00001; ExAC 0.00001.
gnomAD v4.1: 1 of 1,612,768 alleles (0.000062%); highest among the groups gnomAD compares: South Asian, 0.0011%; no homozygotes.

Submissions (6):

Labcorp Genetics (formerly Invitae), Labcorp
Classification: Uncertain significance for Hereditary breast ovarian cancer syndrome. Last evaluated: 2022-09-17. Review status: criteria provided, single submitter. Criteria: Invitae Variant Classification Sherloc (09022015). Collection method: clinical testing. Allele origin: germline.
Comment: This sequence change replaces methionine, which is neutral and non-polar, with valine, which is neutral and non-polar, at codon 3234 of the BRCA2 protein (p.Met3234Val). In summary, the available evidence is currently insufficient to determine the role of this variant in disease. Therefore, it has been classified as a Variant of Uncertain Significance. Advanced modeling of protein sequence and biophysical properties (such as structural, functional, and spatial information, amino acid conservation, physicochemical variation, residue mobility, and thermodynamic stability) performed at Invitae indicates that this missense variant is not expected to disrupt BRCA2 protein function. ClinVar contains an entry for this variant (Variation ID: 182266). This variant has not been reported in the literature in individuals affected with BRCA2-related conditions. This variant is present in population databases (rs730881574, gnomAD 0.003%).

Ambry Genetics
Classification: Uncertain significance for Hereditary cancer-predisposing syndrome. Last evaluated: 2022-03-11. Review status: criteria provided, single submitter. Criteria: Ambry Variant Classification Scheme 2023. Collection method: clinical testing. Allele origin: germline.
Comment: The p.M3234V variant (also known as c.9700A>G), located in coding exon 26 of the BRCA2 gene, results from an A to G substitution at nucleotide position 9700. The methionine at codon 3234 is replaced by valine, an amino acid with highly similar properties. This amino acid position is poorly conserved in available vertebrate species. In addition, this alteration is predicted to be tolerated by in silico analysis. Since supporting evidence is limited at this time, the clinical significance of this alteration remains unclear.

Women's Health and Genetics/Laboratory Corporation of America, LabCorp
Classification: Uncertain significance. Last evaluated: 2020-11-16. Review status: criteria provided, single submitter. Criteria: LabCorp Variant Classification Summary - May 2015. Collection method: clinical testing. Allele origin: germline.
Comment: Variant summary: BRCA2 c.9700A>G (p.Met3234Val) results in a conservative amino acid change in the encoded protein sequence. Five of five in-silico tools predict a benign effect of the variant on protein function. The variant allele was found at a frequency of 4e-06 in 250412 control chromosomes. The available data on variant occurrences in the general population are insufficient to allow any conclusion about variant significance. To our knowledge, no occurrence of c.9700A>G in individuals affected with Hereditary Breast And Ovarian Cancer Syndrome and no experimental evidence demonstrating its impact on protein function have been reported. Four clinical diagnostic laboratories have submitted clinical-significance assessments for this variant to ClinVar after 2014 without evidence for independent evaluation. All laboratories classified the variant as uncertain significance. Based on the evidence outlined above, the variant was classified as uncertain significance.

GeneDx
Classification: Uncertain significance. Last evaluated: 2019-11-29. Review status: criteria provided, single submitter. Criteria: GeneDx Variant Classification Process June 2021. Collection method: clinical testing. Allele origin: germline. Affected: yes.
Comment: Has not been previously published as pathogenic or benign to our knowledge; Not observed at a significant frequency in large population cohorts (Lek 2016); In silico analysis, which includes protein predictors and evolutionary conservation, supports that this variant does not alter protein structure/function; Also known as 9928A>G; This variant is associated with the following publications: (PMID: 25348012)

Mendelics
Classification: Uncertain significance for Breast-ovarian cancer, familial, susceptibility to, 2. Last evaluated: 2019-05-28. Review status: criteria provided, single submitter. Criteria: Mendelics Assertion Criteria 2017. Collection method: clinical testing. Allele origin: unknown.

Color Diagnostics, LLC DBA Color Health
Classification: Uncertain significance for Hereditary cancer-predisposing syndrome. Last evaluated: 2019-04-20. Review status: criteria provided, single submitter. Criteria: ACMG Guidelines, 2015. Collection method: clinical testing. Allele origin: germline.

NM_000059.4(BRCA2):c.9700A>G (p.Met3234Val)

Gene: BRCA2 (BRCA2 DNA repair associated; plus strand). Cytogenetic location: 13q13.1.
Variant type: single nucleotide variant.
Coding change: c.9700A>G on transcript NM_000059.4 (MANE Select); coding-DNA position 9700, A replaced by G.
Protein change: p.Met3234Val; replaces methionine 3234 with valine.
Molecular consequence: missense variant.
Genome position (GRCh38, 1-based): chr13:32,398,213, A>G. VCF-style: chr13-32398213-A-G. GRCh37 (hg19) VCF-style: chr13-32972350-A-G.
Other names: p.M3234V:ATG>GTG; short protein forms M3234V.
Identifiers: ClinVar variation 182266 (VCV000182266.19), dbSNP rs730881574, ClinGen allele CA026274.